The following is an entry in ClinVar:

ClinVar aggregate classification (germline): Conflicting classifications of pathogenicity. Review status: criteria provided, conflicting classifications (1 of 4 stars). 4 submissions from 4 submitters: Pathogenic (2); Likely pathogenic (1); Uncertain significance (1). Last evaluated 2026-04-20.

Conditions:
TG-related disorder. Also called: TG-related condition; TG-related disorders.

Allele frequency attached by ClinVar (database versions not stated): TOPMed 0.00002; gnomAD 0.00003; gnomAD exomes 0.00004.

Submissions (4):

PreventionGenetics, part of Exact Sciences
Classification: Likely pathogenic for TG-related condition. Last evaluated: 2026-04-20. Review status: criteria provided, single submitter. Criteria: ACMG Guidelines, 2015. Collection method: clinical testing. Allele origin: germline.
Comment: The TG c.5672dupT variant is predicted to result in a frameshift and premature protein termination (p.Trp1892Metfs*38). To our knowledge this variant has not been reported in individuals with TG-related disorders in the literature. This variant is reported in 0.0035% of alleles in individuals of European (Non-Finnish) descent in gnomAD. Frameshift variants in TG are expected to be pathogenic. This variant is interpreted as likely pathogenic.

Women's Health and Genetics/Laboratory Corporation of America, LabCorp
Classification: Pathogenic for TG-Related Disorders. Last evaluated: 2025-06-10. Review status: criteria provided, single submitter. Criteria: LabCorp Variant Classification Summary - May 2015. Collection method: clinical testing. Allele origin: germline.
Comment: Variant summary: TG c.5672dupT (p.Trp1892MetfsX38) results in a premature termination codon, predicted to cause a truncation of the encoded protein or absence of the protein due to nonsense mediated decay, which are commonly known mechanisms for disease. The variant allele was found at a frequency of 1.6e-05 in 250758 control chromosomes. To our knowledge, no occurrence of c.5672dupT in individuals affected with TG-Related Disorders and no experimental evidence demonstrating its impact on protein function have been reported. ClinVar contains an entry for this variant (Variation ID: 2892978). Based on the evidence outlined above, the variant was classified as pathogenic.

GeneDx
Classification: Uncertain significance. Last evaluated: 2024-07-08. Review status: criteria provided, single submitter. Criteria: GeneDx Variant Classification Process June 2021. Collection method: clinical testing. Allele origin: germline. Affected: yes.
Comment: Frameshift variant predicted to result in protein truncation or nonsense mediated decay in a gene for which loss of function is a known mechanism of disease; Has not been previously published in association with TG-related disorders to our knowledge; This variant is associated with the following publications: (PMID: 34200080)

Labcorp Genetics (formerly Invitae), Labcorp
Classification: Pathogenic. Last evaluated: 2023-06-20. Review status: criteria provided, single submitter. Criteria: Invitae Variant Classification Sherloc (09022015). Collection method: clinical testing. Allele origin: germline.
Comment: For these reasons, this variant has been classified as Pathogenic. This variant has not been reported in the literature in individuals affected with TG-related conditions. This variant is present in population databases (no rsID available, gnomAD 0.004%). This sequence change creates a premature translational stop signal (p.Trp1892Metfs*38) in the TG gene. It is expected to result in an absent or disrupted protein product. Loss-of-function variants in TG are known to be pathogenic (PMID: 19837936, 23164529).

Literature cited by the submitters: PubMed 19837936 (cited by Labcorp Genetics (formerly Invitae), Labcorp); PubMed 23164529 (cited by Labcorp Genetics (formerly Invitae), Labcorp).

NM_003235.5(TG):c.5672dup (p.Trp1892fs)

Gene: TG (thyroglobulin; plus strand). Cytogenetic location: 8q24.22.
Variant type: Duplication.
Coding change: c.5672dup on transcript NM_003235.5 (MANE Select); coding-DNA position 5672, one base duplicated (T; older notation c.5672dupT).
Protein change: p.Trp1892fs; shifts the reading frame from tryptophan 1892.
Molecular consequence: frameshift variant.
Genome position (GRCh38, 1-based): chr8:132,966,683, T duplicated. VCF-style (leftmost placement, unchanged base first): chr8-132966682-C-CT. GRCh37 (hg19) VCF-style: chr8-133978927-C-CT.
Other names: c.5672dupT (NM_003235.4, NM_003235.5); short protein forms W1892fs.
Identifiers: ClinVar variation 2892978 (VCV002892978.6), dbSNP rs1470919968, ClinGen allele CA584924052.